The following is an entry in ClinVar:

ClinVar aggregate classification (germline): Pathogenic (1 of 4 stars; one submission).

Conditions:
Pheochromocytoma. Also called: MAX-Related Hereditary Paraganglioma-Pheochromocytoma Syndrome. Identifiers: Orphanet 29072, MedGen C0031511, MONDO:0008233, OMIM 171300, HP:0002666.
Pheochromocytoma/paraganglioma syndrome 4. Also called: CAROTID BODY TUMORS AND MULTIPLE EXTRAADRENAL PHEOCHROMOCYTOMAS; PARAGANGLIOMA, FAMILIAL MALIGNANT; PARAGANGLIOMAS, HEREDITARY EXTRAADRENAL; PHEOCHROMOCYTOMA, FAMILIAL EXTRAADRENAL; Paragangliomas 4; SDHB-Related Hereditary Paraganglioma-Pheochromocytoma Syndrome (Paragangliomas 4). Identifiers: Orphanet 29072, MedGen C1861848, MONDO:0007273, OMIM 115310.
Gastrointestinal stromal tumor. Also called: Gastrointestinal stroma tumor; Gastrointestinal stromal tumor, somatic. Identifiers: Orphanet 44890, MedGen C0238198, MeSH D046152, MONDO:0011719, OMIM 606764, HP:0100723.

Submission:

Labcorp Genetics (formerly Invitae), Labcorp
Classification: Pathogenic for Gastrointestinal stromal tumor; Pheochromocytoma/paraganglioma syndrome 4; Pheochromocytoma. Last evaluated: 2020-12-12. Review status: criteria provided, single submitter. Criteria: Invitae Variant Classification Sherloc (09022015). Collection method: clinical testing. Allele origin: germline.
Comment: For these reasons, this variant has been classified as Pathogenic. This variant has not been reported in the literature in individuals with SDHB-related conditions. This variant is not present in population databases (ExAC no frequency). This sequence change creates a premature translational stop signal (p.Trp200Glyfs*20) in the SDHB gene. It is expected to result in an absent or disrupted protein product. Loss-of-function variants in SDHB are known to be pathogenic (PMID: 19454582, 19802898).

Literature cited by the submitters: PubMed 19454582; PubMed 19802898.

NM_003000.3(SDHB):c.598del (p.Trp200fs)

Gene: SDHB (succinate dehydrogenase complex iron sulfur subunit B; minus strand). Cytogenetic location: 1p36.13.
Variant type: Deletion.
Coding change: c.598del on transcript NM_003000.3 (MANE Select); coding-DNA position 598, one base deleted (T; older notation c.598delT).
Protein change: p.Trp200fs; shifts the reading frame from tryptophan 200.
Molecular consequence: frameshift variant.
Genome position (GRCh38, 1-based): chr1:17,024,017, A deleted on the plus strand (T on the coding strand, the reverse complement: SDHB is on the minus strand). VCF-style (leftmost placement, unchanged base first): chr1-17024016-CA-C. GRCh37 (hg19) VCF-style: chr1-17350511-CA-C.
Other names: short protein forms W200fs.
Identifiers: ClinVar variation 1363102 (VCV001363102.6), dbSNP rs2101516424, ClinGen allele CA2573130773.
Genomic context (GRCh38, chr1:17,024,016, plus strand): 5'-ATTAAGGAGCACCTCACCTGCATAAGAACTGCAGGCCCCAGATATTTGTCTCCGTTCCAC[CA>C]GTAGCTGGGGCAGCTGGTGCTACAGCAGGCACAGAGAATGCACTCGTAGAGCCCGTCCTG-3'